The following is an entry in ClinVar:

ClinVar aggregate classification (germline): Benign/Likely benign. Review status: criteria provided, multiple submitters, no conflicts (2 of 4 stars). 2 submissions from 2 submitters: Benign (1); Likely benign (1). Last evaluated 2026-09-14.

Conditions:
Colorectal cancer, hereditary nonpolyposis, type 7. Identifiers: Orphanet 144, MedGen C1858380, MONDO:0013725, OMIM 614385.

Allele frequency attached by ClinVar (database versions not stated): gnomAD exomes below 0.00001; TOPMed below 0.00001; gnomAD 0.00001.
gnomAD v4.1: 3 of 1,614,006 alleles (0.00019%); highest among the groups gnomAD compares: Non-Finnish European, 0.00025%; no homozygotes.

Submissions (2):

Myriad Genetics, Inc.
Classification: Benign for Colorectal cancer, hereditary nonpolyposis, type 7. Last evaluated: 2026-09-14. Review status: criteria provided, single submitter. Criteria: Myriad Autosomal Dominant, Autosomal Recessive and X-Linked Classification Criteria (2023). Collection method: clinical testing. Allele origin: unknown.
Comment: This variant is considered benign. This variant is a silent/synonymous amino acid change and it is not expected to impact splicing.

Ambry Genetics
Classification: Likely benign. Last evaluated: 2022-12-05. Review status: criteria provided, single submitter. Criteria: Ambry Variant Classification Scheme 2023. Collection method: clinical testing. Allele origin: germline.

NM_001040108.2(MLH3):c.3036C>T (p.Ala1012=)

Gene: MLH3 (mutL homolog 3; minus strand). Cytogenetic location: 14q24.3.
Variant type: single nucleotide variant.
Coding change: c.3036C>T on transcript NM_001040108.2 (MANE Select); coding-DNA position 3036, C replaced by T.
Protein change: p.Ala1012=; no amino-acid change (alanine 1012 retained).
Molecular consequence: synonymous variant.
Genome position (GRCh38, 1-based): chr14:75,046,620, G>A on the plus strand (C>T on the coding strand, the complement: MLH3 is on the minus strand). VCF-style: chr14-75046620-G-A. GRCh37 (hg19) VCF-style: chr14-75513323-G-A.
Other names: c.3036C>T, p.Ala1012= (NM_014381.3).
Identifiers: ClinVar variation 2448615 (VCV002448615.3), dbSNP rs1320426705, ClinGen allele CA487273174.
Genomic context (GRCh38, chr14:75,046,620, plus strand): 5'-AGAACAAGCTCTTGCTTTAGATTCCTCACTCTGAAAACAAATTCCATTTTGGTCACCTGT[G>A]GCATCTTCTACCGGATTCATTAACATTCCACTGGGAGAGTCAAGACTTCCTATCTGTTGT-3'
Protein context (NP_001035197.1, residues 1002-1022): SGMLMNPVED[Ala1012=]TGDQNGICFQ